The following is an entry in ClinVar:

ClinVar aggregate classification (germline): Uncertain significance (1 of 4 stars; one submission).

gnomAD v4.1: 28 of 1,614,168 alleles (0.0017%); highest among the groups gnomAD compares: African/African-American, 0.021%; 1 homozygote.

Submission:

Labcorp Genetics (formerly Invitae), Labcorp
Classification: Uncertain significance. Last evaluated: 2025-11-01. Review status: criteria provided, single submitter. Criteria: Invitae Variant Classification Sherloc (09022015). Collection method: clinical testing. Allele origin: germline.
Comment: This sequence change replaces proline, which is neutral and non-polar, with threonine, which is neutral and polar, at codon 2364 of the COL7A1 protein (p.Pro2364Thr). This variant is not present in population databases (gnomAD no frequency). This variant has not been reported in the literature in individuals affected with COL7A1-related conditions. ClinVar contains an entry for this variant (Variation ID: 1361712). Invitae Evidence Modeling of protein sequence and biophysical properties (such as structural, functional, and spatial information, amino acid conservation, physicochemical variation, residue mobility, and thermodynamic stability) indicates that this missense variant is not expected to disrupt COL7A1 protein function with a negative predictive value of 95%. In summary, the available evidence is currently insufficient to determine the role of this variant in disease. Therefore, it has been classified as a Variant of Uncertain Significance.

NM_000094.4(COL7A1):c.7090C>A (p.Pro2364Thr)

Gene: COL7A1 (collagen type VII alpha 1 chain; minus strand). Cytogenetic location: 3p21.31.
Variant type: single nucleotide variant.
Coding change: c.7090C>A on transcript NM_000094.4 (MANE Select); coding-DNA position 7090, C replaced by A.
Protein change: p.Pro2364Thr; replaces proline 2364 with threonine.
Molecular consequence: missense variant.
Genome position (GRCh38, 1-based): chr3:48,571,257, G>T on the plus strand (C>A on the coding strand, the complement: COL7A1 is on the minus strand). VCF-style: chr3-48571257-G-T. GRCh37 (hg19) VCF-style: chr3-48608690-G-T.
Other names: short protein forms P2364T.
Identifiers: ClinVar variation 1361712 (VCV001361712.7), dbSNP rs113813395, ClinGen allele CA73975398.
Genomic context (GRCh38, chr3:48,571,257, plus strand): 5'-GTCTCACGACCAGGACCCCAGCAGGGACCCTTCTGGGTACACATACCTTGAAACCTTTGG[G>T]TCCTGGAGCCCCTTTCTGACCCTAAGAAAACCCAGCAAACAGCATTTGAGAGGGTAGGAA-3'
Protein context (NP_000085.1, residues 2354-2374): GEDGQKGAPG[Pro2364Thr]KGFKGDPGVG